The following is an entry in ClinVar:

NM_001232.4(CASQ2):c.382G>A (p.Glu128Lys)

Gene: CASQ2 (calsequestrin 2; minus strand). Cytogenetic location: 1p13.1.
Variant type: single nucleotide variant.
Coding change: c.382G>A on transcript NM_001232.4 (MANE Select); coding-DNA position 382, G replaced by A.
Protein change: p.Glu128Lys; replaces glutamic acid 128 with lysine.
Molecular consequence: missense variant.
Genome position (GRCh38, 1-based): chr1:115,740,766, C>T on the plus strand (G>A on the coding strand, the complement: CASQ2 is on the minus strand). VCF-style: chr1-115740766-C-T. GRCh37 (hg19) VCF-style: chr1-116283387-C-T.
Other names: short protein forms E128K.
Identifiers: ClinVar variation 626362 (VCV000626362.5), dbSNP rs1557798151, ClinGen allele CA341764414.
Genomic context (GRCh38, chr1:115,740,766, plus strand): 5'-GTCACTGTGTATAAATACTTACATCCAAGAGGAACTCCACCAAGACATCAGCTGCAAACT[C>T]GCCATCAAACTCTATTGTGCGATCACCCTTAAGAATATACAGGCTTCCTTCTTCATCAAA-3'
Protein context (NP_001223.2, residues 118-138): KGDRTIEFDG[Glu128Lys]FAADVLVEFL

ClinVar aggregate classification (germline): Uncertain significance. Review status: criteria provided, multiple submitters, no conflicts (2 of 4 stars). 3 submissions from 3 submitters: Uncertain significance (3). Last evaluated 2023-04-11.

Conditions:
Cardiovascular phenotype. Identifiers: MedGen CN230736.
Cardiomyopathy (CMYO). Also called: Cardiomyopathies. Identifiers: Orphanet 167848, MedGen C0878544, MONDO:0004994, HP:0001638. Inheritance: Various modes of inheritance.
Catecholaminergic polymorphic ventricular tachycardia 2. Also called: CASQ2-Related Catecholaminergic Polymorphic Ventricular Tachycardia; VENTRICULAR TACHYCARDIA, STRESS-INDUCED POLYMORPHIC 2. Identifiers: Orphanet 3286, MedGen C2677794, MONDO:0012762, OMIM 611938.

Submissions (3):

Genome-Nilou Lab
Classification: Uncertain significance for Catecholaminergic polymorphic ventricular tachycardia 2. Last evaluated: 2023-04-11. Review status: criteria provided, single submitter. Criteria: ACMG Guidelines, 2015. Collection method: clinical testing. Allele origin: germline. Affected: no.

Ambry Genetics
Classification: Uncertain significance for Cardiovascular phenotype. Last evaluated: 2020-11-20. Review status: criteria provided, single submitter. Criteria: Ambry Variant Classification Scheme 2023. Collection method: clinical testing. Allele origin: germline.
Comment: The p.E128K variant (also known as c.382G>A), located in coding exon 3 of the CASQ2 gene, results from a G to A substitution at nucleotide position 382. The glutamic acid at codon 128 is replaced by lysine, an amino acid with similar properties. This amino acid position is well conserved in available vertebrate species. In addition, the in silico prediction for this alteration is inconclusive. Since supporting evidence is limited at this time, the clinical significance of this alteration remains unclear.

CHEO Genetics Diagnostic Laboratory, Children's Hospital of Eastern Ontario
Classification: Uncertain significance for Cardiomyopathy. Last evaluated: 2016-01-19. Review status: criteria provided, single submitter. Criteria: ACMG Guidelines, 2015. Collection method: clinical testing. Allele origin: germline. Study: Canadian Open Genetics Repository.